The following is an entry in ClinVar:

NM_012254.3(SLC27A5):c.1988T>C (p.Phe663Ser)

Gene: SLC27A5 (solute carrier family 27 member 5; minus strand). Cytogenetic location: 19q13.43.
Variant type: single nucleotide variant.
Coding change: c.1988T>C on transcript NM_012254.3 (MANE Select); coding-DNA position 1988, T replaced by C.
Protein change: p.Phe663Ser; replaces phenylalanine 663 with serine.
Molecular consequence: missense variant.
Genome position (GRCh38, 1-based): chr19:58,498,600, A>G on the plus strand (T>C on the coding strand, the complement: SLC27A5 is on the minus strand). VCF-style: chr19-58498600-A-G. GRCh37 (hg19) VCF-style: chr19-59009967-A-G.
Other names: c.1736T>C, p.Phe579Ser (NM_001321196.2); short protein forms F579S, F663S.
Identifiers: ClinVar variation 3033319 (VCV003033319.2), dbSNP rs2514219140, ClinGen allele CA407945805.

ClinVar aggregate classification (germline): Uncertain significance (0 of 4 stars; one submission).

Conditions:
SLC27A5-related disorder. Also called: SLC27A5-related condition.

Allele frequency attached by ClinVar (database versions not stated): gnomAD exomes below 0.00001.
gnomAD v4.1: 5 of 1,614,056 alleles (0.00031%); highest among the groups gnomAD compares: Non-Finnish European, 0.00042%; no homozygotes.

Submission:

PreventionGenetics, part of Exact Sciences
Classification: Uncertain significance for SLC27A5-related condition. Last evaluated: 2023-11-29. Review status: no assertion criteria provided. Collection method: clinical testing. Allele origin: germline.
Comment: The SLC27A5 c.1988T>C variant is predicted to result in the amino acid substitution p.Phe663Ser. To our knowledge, this variant has not been reported in the literature or in a large population database, indicating this variant is rare. At this time, the clinical significance of this variant is uncertain due to the absence of conclusive functional and genetic evidence.